The following is an entry in ClinVar:

NM_014974.3(DIP2C):c.4295A>G (p.Glu1432Gly)

Gene: DIP2C (DIP2 acetate--CoA ligase C (putative); minus strand). Cytogenetic location: 10p15.3.
Variant type: single nucleotide variant.
Coding change: c.4295A>G on transcript NM_014974.3 (MANE Select); coding-DNA position 4295, A replaced by G.
Protein change: p.Glu1432Gly; replaces glutamic acid 1432 with glycine.
Molecular consequence: missense variant.
Genome position (GRCh38, 1-based): chr10:281,323, T>C on the plus strand (A>G on the coding strand, the complement: DIP2C is on the minus strand). VCF-style: chr10-281323-T-C. GRCh37 (hg19) VCF-style: chr10-327263-T-C.
Other names: short protein forms E1432G.
Identifiers: ClinVar variation 2893191 (VCV002893191.3), dbSNP rs1954807523, ClinGen allele CA375827424.

ClinVar aggregate classification (germline): Uncertain significance (1 of 4 stars; one submission).

Allele frequency attached by ClinVar (database versions not stated): TOPMed below 0.00001.
gnomAD v4.1: 7 of 1,609,450 alleles (0.00043%); highest among the groups gnomAD compares: Non-Finnish European, 0.0006%; no homozygotes.

Submission:

Labcorp Genetics (formerly Invitae), Labcorp
Classification: Uncertain significance. Last evaluated: 2023-03-16. Review status: criteria provided, single submitter. Criteria: Invitae Variant Classification Sherloc (09022015). Collection method: clinical testing. Allele origin: germline.
Comment: In summary, the available evidence is currently insufficient to determine the role of this variant in disease. Therefore, it has been classified as a Variant of Uncertain Significance. Algorithms developed to predict the effect of sequence changes on RNA splicing suggest that this variant may disrupt the consensus splice site. An algorithm developed to predict the effect of missense changes on protein structure and function (PolyPhen-2) suggests that this variant is likely to be disruptive. This variant has not been reported in the literature in individuals affected with DIP2C-related conditions. This variant is not present in population databases (gnomAD no frequency). This sequence change replaces glutamic acid, which is acidic and polar, with glycine, which is neutral and non-polar, at codon 1432 of the DIP2C protein (p.Glu1432Gly).